The following is an entry in ClinVar:

NM_003632.3(CNTNAP1):c.2764C>T (p.Leu922Phe)

Gene: CNTNAP1 (contactin associated protein 1; plus strand). Cytogenetic location: 17q21.2.
Variant type: single nucleotide variant.
Coding change: c.2764C>T on transcript NM_003632.3 (MANE Select); coding-DNA position 2764, C replaced by T.
Protein change: p.Leu922Phe; replaces leucine 922 with phenylalanine.
Molecular consequence: missense variant.
Genome position (GRCh38, 1-based): chr17:42,693,308, C>T. VCF-style: chr17-42693308-C-T. GRCh37 (hg19) VCF-style: chr17-40845326-C-T.
Other names: short protein forms L922F.
Identifiers: ClinVar variation 1313878 (VCV001313878.3), dbSNP rs780890039, ClinGen allele CA8582150.

ClinVar aggregate classification (germline): Uncertain significance. Review status: criteria provided, multiple submitters, no conflicts (2 of 4 stars). 2 submissions from 2 submitters: Uncertain significance (2). Last evaluated 2021-08-12.

Allele frequency attached by ClinVar (database versions not stated): gnomAD exomes below 0.00001; ExAC 0.00001; gnomAD 0.00001.
gnomAD v4.1: 5 of 1,614,058 alleles (0.00031%); highest among the groups gnomAD compares: African/African-American, 0.0027%; no homozygotes.

Submissions (2):

GeneDx
Classification: Uncertain significance. Last evaluated: 2021-08-12. Review status: criteria provided, single submitter. Criteria: GeneDx Variant Classification Process June 2021. Collection method: clinical testing. Allele origin: germline. Affected: yes.
Comment: Not observed at a significant frequency in large population cohorts (Lek et al., 2016); In silico analysis supports that this missense variant does not alter protein structure/function; Has not been previously published as pathogenic or benign to our knowledge

Breakthrough Genomics
Classification: Uncertain significance. Review status: criteria provided, single submitter. Criteria: ACMG Guidelines, 2015. Collection method: not provided. Allele origin: germline. Inheritance: Autosomal recessive inheritance. Affected: yes.